The following is an entry in ClinVar:

NM_001080512.3(BICC1):c.1519A>G (p.Ser507Gly)

Gene: BICC1 (BicC family RNA binding protein 1; plus strand). Cytogenetic location: 10q21.1.
Variant type: single nucleotide variant.
Coding change: c.1519A>G on transcript NM_001080512.3 (MANE Select); coding-DNA position 1519, A replaced by G.
Protein change: p.Ser507Gly; replaces serine 507 with glycine.
Molecular consequence: missense variant.
Genome position (GRCh38, 1-based): chr10:58,798,551, A>G. VCF-style: chr10-58798551-A-G. GRCh37 (hg19) VCF-style: chr10-60558311-A-G.
Other names: short protein forms S507G.
Identifiers: ClinVar variation 3688165 (VCV003688165.2).

ClinVar aggregate classification (germline): Uncertain significance (1 of 4 stars; one submission).

gnomAD v4.1: 3 of 1,607,178 alleles (0.00019%); highest among the groups gnomAD compares: South Asian, 0.0033%; no homozygotes.

Submission:

Labcorp Genetics (formerly Invitae), Labcorp
Classification: Uncertain significance. Last evaluated: 2025-02-07. Review status: criteria provided, single submitter. Criteria: Invitae Variant Classification Sherloc (09022015). Collection method: clinical testing. Allele origin: germline.
Comment: This sequence change replaces serine, which is neutral and polar, with glycine, which is neutral and non-polar, at codon 507 of the BICC1 protein (p.Ser507Gly). The frequency data for this variant in the population databases is considered unreliable, as metrics indicate poor data quality at this position in the gnomAD database. This variant has not been reported in the literature in individuals affected with BICC1-related conditions. An algorithm developed to predict the effect of missense changes on protein structure and function outputs the following: PolyPhen-2: "Benign". The glycine amino acid residue is found in multiple mammalian species, which suggests that this missense change does not adversely affect protein function. In summary, the available evidence is currently insufficient to determine the role of this variant in disease. Therefore, it has been classified as a Variant of Uncertain Significance.